The following is an entry in ClinVar:

ClinVar aggregate classification (germline): Likely pathogenic (1 of 4 stars; one submission).

Submission:

GeneDx
Classification: Likely pathogenic. Last evaluated: 2017-03-07. Review status: criteria provided, single submitter. Criteria: GeneDx Variant Classification (06012015). Collection method: clinical testing. Allele origin: germline. Affected: yes.
Comment: A missense variant that is likely pathogenic was identified in the FBN1 gene. While the C2038G variant has not been published, missense variants in the same residue (C2038Y, C2038F) have been reported in association with Marfan syndrome (Rommel et al., 2005; Stheneur et al., 2009). The C2038G variant is not observed in large population cohorts (Lek et al., 2016; 1000 Genomes Consortium et al., 2015; Exome Variant Server). This variant is a non-conservative amino acid substitution, which is likely to impact secondary protein structure as these residues differ in polarity, charge, size and/or other properties. This substitution occurs at a position that is conserved across species and in silico analysis predicts this variant is probably damaging to the protein structure/function. Finally, the C2038G variant affects a Cysteine residue within a calcium-binding EGF-like domain of the FBN1 gene, which may affect disulfide bonding and is predicted to alter the structure and function of the protein. Cysteine substitutions in the calcium-binding EGF-like domains represent the majority of pathogenic missense changes associated with Marfan syndrome (Collod-Beroud et al., 2003).

NM_000138.5(FBN1):c.6112T>G (p.Cys2038Gly)

Gene: FBN1 (fibrillin 1; minus strand). Cytogenetic location: 15q21.1.
Variant type: single nucleotide variant.
Coding change: c.6112T>G on transcript NM_000138.5 (MANE Select); coding-DNA position 6112, T replaced by G.
Protein change: p.Cys2038Gly; replaces cysteine 2038 with glycine.
Molecular consequence: missense variant.
Genome position (GRCh38, 1-based): chr15:48,441,772, A>C on the plus strand (T>G on the coding strand, the complement: FBN1 is on the minus strand). VCF-style: chr15-48441772-A-C. GRCh37 (hg19) VCF-style: chr15-48733969-A-C.
Other names: short protein forms C2038G.
Identifiers: ClinVar variation 423987 (VCV000423987.2), dbSNP rs1064796731, ClinGen allele CA16619946.
Genomic context (GRCh38, chr15:48,441,772, plus strand): 5'-GACACTTACCTTGGCACCTTCTTCCACTGGAGGACAAGGAAAACCCTTCTGGACACAGAC[A>C]TTTGAAGCTGCCTTCAGTGTTACTGCATGTGCCCAGGGCACAAATTTCTGGCTCTTCGAC-3'
Protein context (NP_000129.3, residues 2028-2048): TCSNTEGSFK[Cys2038Gly]LCPEGFSLSS